The following is an entry in ClinVar:

ClinVar aggregate classification (germline): Uncertain significance (1 of 4 stars; one submission).

Conditions:
Brugada syndrome. Also called: Sudden unexpected nocturnal death syndrome; Sudden unexplained nocturnal death syndrome; Sudden Unexplained Death Syndrome; Sudden Unexplained Nocturnal Death Syndrome (SUNDS). Identifiers: Orphanet 130, MedGen C1142166, MONDO:0015263.

Allele frequency attached by ClinVar (database versions not stated): gnomAD exomes below 0.00001.
gnomAD v4.1: 1 of 1,614,008 alleles (0.000062%); highest among the groups gnomAD compares: Middle Eastern, 0.017%; no homozygotes.

Submission:

Labcorp Genetics (formerly Invitae), Labcorp
Classification: Uncertain significance for Brugada syndrome. Last evaluated: 2024-07-08. Review status: criteria provided, single submitter. Criteria: Invitae Variant Classification Sherloc (09022015). Collection method: clinical testing. Allele origin: germline.
Comment: This sequence change replaces leucine, which is neutral and non-polar, with tryptophan, which is neutral and slightly polar, at codon 57 of the SCN10A protein (p.Leu57Trp). This variant is not present in population databases (gnomAD no frequency). This variant has not been reported in the literature in individuals affected with SCN10A-related conditions. ClinVar contains an entry for this variant (Variation ID: 1446601). Advanced modeling of protein sequence and biophysical properties (such as structural, functional, and spatial information, amino acid conservation, physicochemical variation, residue mobility, and thermodynamic stability) performed at Invitae indicates that this missense variant is expected to disrupt SCN10A protein function with a positive predictive value of 80%. In summary, the available evidence is currently insufficient to determine the role of this variant in disease. Therefore, it has been classified as a Variant of Uncertain Significance.

NM_006514.4(SCN10A):c.170T>G (p.Leu57Trp)

Gene: SCN10A (sodium voltage-gated channel alpha subunit 10; minus strand). Cytogenetic location: 3p22.2.
Variant type: single nucleotide variant.
Coding change: c.170T>G on transcript NM_006514.4 (MANE Select); coding-DNA position 170, T replaced by G.
Protein change: p.Leu57Trp; replaces leucine 57 with tryptophan.
Molecular consequence: missense variant.
Genome position (GRCh38, 1-based): chr3:38,793,841, A>C on the plus strand (T>G on the coding strand, the complement: SCN10A is on the minus strand). VCF-style: chr3-38793841-A-C. GRCh37 (hg19) VCF-style: chr3-38835332-A-C.
Other names: c.170T>G, p.Leu57Trp (NM_001293306.2, NM_001293307.2); short protein forms L57W.
Identifiers: ClinVar variation 1446601 (VCV001446601.7), dbSNP rs2126061797, ClinGen allele CA352162869.
Genomic context (GRCh38, chr3:38,793,841, plus strand): 5'-TCCCCGATCAGTTCTGCTGGGAGCTCACCATAGAACTTGGGCAGCTGGTTGCAGGCTTTC[A>C]AGTCCAGCTGGGGCCGAGGCTTCTCTTCTTGGTCCTTCTGCTCCCTATGCTTCTCTCTGG-3'
Protein context (NP_006505.4, residues 47-67): QEEKPRPQLD[Leu57Trp]KACNQLPKFY